The following is an entry in ClinVar:

NM_025114.4(CEP290):c.6335G>A (p.Arg2112Gln)

Genes: CEP290 (centrosomal protein 290; minus strand), LOC129390514 (MPRA-validated peak1864 silencer; plus strand). Cytogenetic location: 12q21.32.
Variant type: single nucleotide variant.
Coding change: c.6335G>A on transcript NM_025114.4 (MANE Select); coding-DNA position 6335, G replaced by A.
Protein change: p.Arg2112Gln; replaces arginine 2112 with glutamine.
Molecular consequence: missense variant.
Genome position (GRCh38, 1-based): chr12:88,062,714, C>T on the plus strand (G>A on the coding strand, the complement: CEP290 is on the minus strand). VCF-style: chr12-88062714-C-T. GRCh37 (hg19) VCF-style: chr12-88456491-C-T.
Other names: c.6335G>A (NM_025114.3); short protein forms R2112Q.
Identifiers: ClinVar variation 1024069 (VCV001024069.5), dbSNP rs773459272, ClinGen allele CA6711523.
Genomic context (GRCh38, chr12:88,062,714, plus strand): 5'-CTGAAACCAAAACAAATGTATGGTAAATTCTCACATACCCCTCTAACATGGCCAAGTTTC[C>T]GCTGAACTTCTGCTTTTTCTTTCTTAAGAAATTCACACATTTCCTTCAAATCTCTGACTT-3'
Protein context (NP_079390.3, residues 2102-2122): FLKKEKAEVQ[Arg2112Gln]KLGHVRGSGR

ClinVar aggregate classification (germline): Uncertain significance. Review status: criteria provided, single submitter (1 of 4 stars). 3 submissions from 3 submitters: Uncertain significance (1). 2 of the submissions do not count toward it. Last evaluated 2022-02-05.

Conditions:
CEP290-related disorder. Also called: CEP290-related condition; CEP290-related disorders. Identifiers: MedGen CN239314.
Joubert syndrome. Also called: Familial aplasia of the vermis; CEREBELLOPARENCHYMAL DISORDER IV; JOUBERT-BOLTSHAUSER SYNDROME. Identifiers: Orphanet 475, MedGen C5979921, MONDO:0018772.
Meckel-Gruber syndrome. Also called: Dysencephalia splachnocystica; DYSENCEPHALIA SPLANCHNOCYSTICA; GRUBER SYNDROME. Identifiers: Orphanet 564, MedGen C0265215, MONDO:0018921.
Nephronophthisis. Also called: Juvenile Nephronophthisis. Identifiers: Orphanet 655, MedGen C0687120, MONDO:0019005, HP:0000090.
Leber congenital amaurosis (LCA). Also called: Leber's amaurosis. Identifiers: Orphanet 65, MedGen C0339527, MeSH D057130, MONDO:0018998.

Allele frequency attached by ClinVar (database versions not stated): gnomAD exomes 0.00007; ExAC 0.00010; TOPMed 0.00001; gnomAD 0.00002.
gnomAD v4.1: 63 of 1,603,668 alleles (0.0039%); highest among the groups gnomAD compares: South Asian, 0.033%; no homozygotes.

Submissions (3):

Labcorp Genetics (formerly Invitae), Labcorp
Classification: Uncertain significance for Joubert syndrome; Meckel-Gruber syndrome; Nephronophthisis. Last evaluated: 2022-02-05. Review status: criteria provided, single submitter. Criteria: Invitae Variant Classification Sherloc (09022015). Collection method: clinical testing. Allele origin: germline.
Comment: This sequence change replaces arginine, which is basic and polar, with glutamine, which is neutral and polar, at codon 2112 of the CEP290 protein (p.Arg2112Gln). This variant is present in population databases (rs773459272, gnomAD 0.04%). This variant has not been reported in the literature in individuals affected with CEP290-related conditions. ClinVar contains an entry for this variant (Variation ID: 1024069). Algorithms developed to predict the effect of missense changes on protein structure and function (SIFT, PolyPhen-2, Align-GVGD) all suggest that this variant is likely to be tolerated. In summary, the available evidence is currently insufficient to determine the role of this variant in disease. Therefore, it has been classified as a Variant of Uncertain Significance.

PreventionGenetics, part of Exact Sciences
Classification: Uncertain significance for CEP290-related condition. Last evaluated: 2023-11-27. Review status: no assertion criteria provided. Collection method: clinical testing. Allele origin: germline. Not counted in ClinVar's aggregate classification.
Comment: The CEP290 c.6335G>A variant is predicted to result in the amino acid substitution p.Arg2112Gln. To our knowledge, this variant has not been reported in the literature. This variant is reported in 0.035% of alleles in individuals of South Asian descent in gnomAD. At this time, the clinical significance of this variant is uncertain due to the absence of conclusive functional and genetic evidence.

Natera, Inc.
Classification: Uncertain significance for Leber congenital amaurosis. Last evaluated: 2020-01-24. Review status: no assertion criteria provided. Collection method: clinical testing. Allele origin: germline. Not counted in ClinVar's aggregate classification.